The following is an entry in ClinVar:

NM_002230.4(JUP):c.1301G>A (p.Gly434Asp)

Gene: JUP (junction plakoglobin; minus strand). Cytogenetic location: 17q21.2.
Variant type: single nucleotide variant.
Coding change: c.1301G>A on transcript NM_002230.4 (MANE Select); coding-DNA position 1301, G replaced by A.
Protein change: p.Gly434Asp; replaces glycine 434 with aspartic acid.
Molecular consequence: missense variant.
Genome position (GRCh38, 1-based): chr17:41,763,179, C>T on the plus strand (G>A on the coding strand, the complement: JUP is on the minus strand). VCF-style: chr17-41763179-C-T. GRCh37 (hg19) VCF-style: chr17-39919431-C-T.
Other names: c.1301G>A, p.Gly434Asp (NM_001352773.2, NM_001352774.2, NM_001352775.2 and 3 more transcripts); short protein forms G434D.
Identifiers: ClinVar variation 2938760 (VCV002938760.3), dbSNP rs2544108948, ClinGen allele CA399497307.

ClinVar aggregate classification (germline): Uncertain significance (1 of 4 stars; one submission).

Conditions:
Naxos disease (NXD). Also called: KERATOSIS PALMOPLANTARIS WITH ARRHYTHMOGENIC CARDIOMYOPATHY; MAL DE NAXOS; PALMOPLANTAR KERATODERMA WITH ARRHYTHMOGENIC RIGHT VENTRICULAR CARDIOMYOPATHY AND WOOLLY HAIR; WOOLLY HAIR, PALMOPLANTAR KERATODERMA, AND CARDIAC ABNORMALITIES; CARDIOMYOPATHY, ARRHYTHMOGENIC RIGHT VENTRICULAR, WITH SKIN, HAIR, AND NAIL ABNORMALITIES. Identifiers: Orphanet 34217, MedGen C1832600, MONDO:0011017, OMIM 601214.
Arrhythmogenic right ventricular dysplasia 12. Also called: ARRHYTHMOGENIC RIGHT VENTRICULAR DYSPLASIA, FAMILIAL, 12. Identifiers: MedGen C1969081, MONDO:0012684, OMIM 611528.

Submission:

Labcorp Genetics (formerly Invitae), Labcorp
Classification: Uncertain significance for Arrhythmogenic right ventricular dysplasia 12; Naxos disease. Last evaluated: 2022-12-02. Review status: criteria provided, single submitter. Criteria: Invitae Variant Classification Sherloc (09022015). Collection method: clinical testing. Allele origin: germline.
Comment: In summary, the available evidence is currently insufficient to determine the role of this variant in disease. Therefore, it has been classified as a Variant of Uncertain Significance. Algorithms developed to predict the effect of missense changes on protein structure and function are either unavailable or do not agree on the potential impact of this missense change (SIFT: "Deleterious"; PolyPhen-2: "Probably Damaging"; Align-GVGD: "Class C0"). This variant has not been reported in the literature in individuals affected with JUP-related conditions. This variant is not present in population databases (gnomAD no frequency). This sequence change replaces glycine, which is neutral and non-polar, with aspartic acid, which is acidic and polar, at codon 434 of the JUP protein (p.Gly434Asp).